The following is an entry in ClinVar:

ClinVar aggregate classification (germline): Uncertain significance (1 of 4 stars; one submission).

Allele frequency attached by ClinVar (database versions not stated): gnomAD exomes below 0.00001; gnomAD 0.00001.
gnomAD v4.1: 4 of 1,613,654 alleles (0.00025%); highest among the groups gnomAD compares: Admixed American, 0.0017%; no homozygotes.

Submission:

Labcorp Genetics (formerly Invitae), Labcorp
Classification: Uncertain significance. Last evaluated: 2022-07-02. Review status: criteria provided, single submitter. Criteria: Invitae Variant Classification Sherloc (09022015). Collection method: clinical testing. Allele origin: germline.
Comment: In summary, the available evidence is currently insufficient to determine the role of this variant in disease. Therefore, it has been classified as a Variant of Uncertain Significance. Algorithms developed to predict the effect of missense changes on protein structure and function output the following: SIFT: "Deleterious"; PolyPhen-2: "Benign"; Align-GVGD: "Class C15". The leucine amino acid residue is found in multiple mammalian species, which suggests that this missense change does not adversely affect protein function. ClinVar contains an entry for this variant (Variation ID: 1354427). This variant has not been reported in the literature in individuals affected with IMPG2-related conditions. This variant is not present in population databases (gnomAD no frequency). This sequence change replaces phenylalanine, which is neutral and non-polar, with leucine, which is neutral and non-polar, at codon 85 of the IMPG2 protein (p.Phe85Leu).

NM_016247.4(IMPG2):c.253T>C (p.Phe85Leu)

Gene: IMPG2 (interphotoreceptor matrix proteoglycan 2; minus strand). Cytogenetic location: 3q12.3.
Variant type: single nucleotide variant.
Coding change: c.253T>C on transcript NM_016247.4 (MANE Select); coding-DNA position 253, T replaced by C.
Protein change: p.Phe85Leu; replaces phenylalanine 85 with leucine.
Molecular consequence: missense variant.
Genome position (GRCh38, 1-based): chr3:101,319,665, A>G on the plus strand (T>C on the coding strand, the complement: IMPG2 is on the minus strand). VCF-style: chr3-101319665-A-G. GRCh37 (hg19) VCF-style: chr3-101038509-A-G.
Other names: short protein forms F85L.
Identifiers: ClinVar variation 1354427 (VCV001354427.6), dbSNP rs922302756, ClinGen allele CA79728546.